The following is an entry in ClinVar:

NM_003482.4(KMT2D):c.16601A>G (p.Lys5534Arg)

Gene: KMT2D (lysine methyltransferase 2D; minus strand). Cytogenetic location: 12q13.12.
Variant type: single nucleotide variant.
Coding change: c.16601A>G on transcript NM_003482.4 (MANE Select); coding-DNA position 16601, A replaced by G.
Protein change: p.Lys5534Arg; replaces lysine 5534 with arginine.
Molecular consequence: missense variant.
Genome position (GRCh38, 1-based): chr12:49,021,793, T>C on the plus strand (A>G on the coding strand, the complement: KMT2D is on the minus strand). VCF-style: chr12-49021793-T-C. GRCh37 (hg19) VCF-style: chr12-49415576-T-C.
Other names: short protein forms K5534R.
Identifiers: ClinVar variation 3362139 (VCV003362139.2).
Genomic context (GRCh38, chr12:49,021,793, plus strand): 5'-GAGGTTGTGGGTAGGGGGACTCCCCTGCCTGGTAGCCTCAAAGCTTCTTAGTTCATCCAT[T>C]TCCGACAATTCCAGGCTCCACAGTGGCAGGGGATCTTGTGCTGATCGTCCTCAAAATCAA-3'
Protein context (NP_003473.3, residues 5524-5537): PCHCGAWNCR[Lys5534Arg]WMN

ClinVar aggregate classification (germline): Uncertain significance (1 of 4 stars; one submission).

Submission:

GeneDx
Classification: Uncertain significance. Last evaluated: 2026-06-05. Review status: criteria provided, single submitter. Criteria: GeneDx Variant Classification Process June 2021. Collection method: clinical testing. Allele origin: germline.
Comment: Not observed at significant frequency in large population cohorts (gnomAD); In silico analysis supports that this missense variant has a deleterious effect on protein structure/function; Has not been previously published as pathogenic or benign to our knowledge